The following is an entry in ClinVar:

NM_018906.3(PCDHA3):c.185G>T (p.Arg62Leu)

Genes: PCDHA1 (protocadherin alpha 1; plus strand), PCDHA2 (protocadherin alpha 2; plus strand), PCDHA3 (protocadherin alpha 3; plus strand), PCDHA@ (protocadherin alpha cluster, complex locus; plus strand). Cytogenetic location: 5q31.3.
Variant type: single nucleotide variant.
Coding change: c.185G>T on transcript NM_018906.3 (MANE Select); coding-DNA position 185, G replaced by T.
Protein change: p.Arg62Leu; replaces arginine 62 with leucine.
Molecular consequence: missense variant. On other transcripts: intron variant (4).
Genome position (GRCh38, 1-based): chr5:140,801,382, G>T. VCF-style: chr5-140801382-G-T. GRCh37 (hg19) VCF-style: chr5-140180967-G-T.
Other names: c.185G>T, p.Arg62Leu (NM_031497.2); c.2394+12698G>T (NM_018900.4); c.1602+13490G>T (NM_031411.3); c.2388+4030G>T (NM_018905.3); c.2389-3678G>T (NM_031496.2); short protein forms R62L.
Identifiers: ClinVar variation 3039856 (VCV003039856.3), dbSNP rs147415938, ClinGen allele CA3446207.

ClinVar aggregate classification (germline): Uncertain significance. Review status: criteria provided, single submitter (1 of 4 stars). 2 submissions from 2 submitters: Uncertain significance (1). 1 of the submissions does not count toward it. Last evaluated 2025-08-21.

Conditions:
PCDHA3-related disorder. Also called: PCDHA3-related condition.

Allele frequency attached by ClinVar (database versions not stated): gnomAD exomes 0.00025; ExAC 0.00104; 1000 Genomes Project 0.00260; 1000 Genomes Project 30x 0.00281; gnomAD 0.00286; TOPMed 0.00316; ESP Exome Variant Server 0.00346.
gnomAD v4.1: 804 of 1,613,550 alleles (0.05%); highest among the groups gnomAD compares: African/African-American, 0.98%; 6 homozygotes.

Submissions (2):

Ambry Genetics
Classification: Uncertain significance. Last evaluated: 2025-08-21. Review status: criteria provided, single submitter. Criteria: Ambry Variant Classification Scheme 2023. Collection method: clinical testing. Allele origin: germline.

PreventionGenetics, part of Exact Sciences
Classification: Benign for PCDHA3-related condition. Last evaluated: 2019-12-27. Review status: no assertion criteria provided. Collection method: clinical testing. Allele origin: germline. Not counted in ClinVar's aggregate classification.
Comment: This variant is classified as benign based on ACMG/AMP sequence variant interpretation guidelines (Richards et al. 2015 PMID: 25741868, with internal and published modifications).